The following is an entry in ClinVar:

ClinVar aggregate classification (germline): Likely benign. Review status: criteria provided, multiple submitters, no conflicts (2 of 4 stars). 4 submissions from 4 submitters: Likely benign (4). Last evaluated 2025-12-03.

Conditions:
Familial thoracic aortic aneurysm and aortic dissection (TAAD). Also called: Thoracic aortic aneurysms and dissections. Identifiers: Orphanet 91387, MedGen C4707243, MONDO:0019625.
Heterotopia, periventricular, X-linked dominant (PVNH1). Also called: PERIVENTRICULAR NODULAR HETEROTOPIA 1; X-linked periventricular heterotopia; PERIVENTRICULAR NODULAR HETEROTOPIA 4; HETEROTOPIA, PERIVENTRICULAR, 1. Identifiers: Orphanet 2149, Orphanet 82004, MedGen C1848213, MONDO:0010233, OMIM 300049.
Frontometaphyseal dysplasia (FMD1). Identifiers: Orphanet 1826, MedGen C0265293, MONDO:0015942.
Melnick-Needles syndrome (MNS). Also called: OSTEODYSPLASTY OF MELNICK AND NEEDLES; MELNICK-NEEDLES OSTEODYSPLASTY; Melnick-Needles Syndrome (FLNA-MNS). Identifiers: Orphanet 2484, MedGen C0025237, MONDO:0010650, OMIM 309350.
Oto-palato-digital syndrome, type II (OPD2). Also called: OPD II SYNDROME; FACIOPALATOOSSEOUS SYNDROME; Otopalatodigital Syndrome, Type II; Otopalatodigital Syndrome Type 2 (FLNA-OPD2). Identifiers: Orphanet 669, Orphanet 90652, MedGen C1844696, MONDO:0010571, OMIM 304120.

Allele frequency attached by ClinVar (database versions not stated): gnomAD exomes 0.00003 and 0.00005; gnomAD 0.00005 and 0.00006; TOPMed 0.00006; ESP Exome Variant Server 0.00010; ExAC 0.00013.
gnomAD v4.1: 39 of 1,203,405 alleles (0.0032%); highest among the groups gnomAD compares: African/African-American, 0.016%; no homozygotes.

Submissions (4):

Labcorp Genetics (formerly Invitae), Labcorp
Classification: Likely benign for Oto-palato-digital syndrome, type II; Heterotopia, periventricular, X-linked dominant; Frontometaphyseal dysplasia; Melnick-Needles syndrome. Last evaluated: 2025-12-03. Review status: criteria provided, single submitter. Criteria: Invitae Variant Classification Sherloc (09022015). Collection method: clinical testing. Allele origin: germline.

Mayo Clinic Laboratories, Mayo Clinic
Classification: Likely benign. Last evaluated: 2025-04-15. Review status: criteria provided, single submitter. Criteria: ACMG Guidelines, 2015. Collection method: clinical testing. Allele origin: germline. Observed: 1 variant allele.
Comment: BP4, BP7

Blueprint Genetics
Classification: Likely benign. Last evaluated: 2024-04-26. Review status: criteria provided, single submitter. Criteria: ACMG Guidelines, 2015. Collection method: clinical testing. Allele origin: germline.

Ambry Genetics
Classification: Likely benign for Familial thoracic aortic aneurysm and aortic dissection. Last evaluated: 2020-03-20. Review status: criteria provided, single submitter. Criteria: Ambry Variant Classification Scheme 2023. Collection method: clinical testing. Allele origin: germline.

NM_001110556.2(FLNA):c.2325C>T (p.Tyr775=)

Gene: FLNA (filamin A; minus strand). Cytogenetic location: Xq28.
Variant type: single nucleotide variant.
Coding change: c.2325C>T on transcript NM_001110556.2 (MANE Select); coding-DNA position 2325, C replaced by T.
Protein change: p.Tyr775=; no amino-acid change (tyrosine 775 retained).
Molecular consequence: synonymous variant.
Genome position (GRCh38, 1-based): chrX:154,362,740, G>A on the plus strand (C>T on the coding strand, the complement: FLNA is on the minus strand). VCF-style: chrX-154362740-G-A. GRCh37 (hg19) VCF-style: chrX-153591108-G-A.
Other names: p.Tyr775=; c.2325C>T, p.Tyr775= (NM_001456.4).
Identifiers: ClinVar variation 1080841 (VCV001080841.13), dbSNP rs369460267, ClinGen allele CA10560954.